The following is an entry in ClinVar:

ClinVar aggregate classification (germline): Likely pathogenic (1 of 4 stars; one submission).

Conditions:
RYR1-related disorder. Also called: RYR1-related condition; RYR1-related disorders. Identifiers: MedGen CN239331.

Submission:

Labcorp Genetics (formerly Invitae), Labcorp
Classification: Likely pathogenic for RYR1-related disorder. Last evaluated: 2022-07-25. Review status: criteria provided, single submitter. Criteria: Invitae Variant Classification Sherloc (09022015). Collection method: clinical testing. Allele origin: germline.
Comment: In summary, the currently available evidence indicates that the variant is pathogenic, but additional data are needed to prove that conclusively. Therefore, this variant has been classified as Likely Pathogenic. Algorithms developed to predict the effect of sequence changes on RNA splicing suggest that this variant may disrupt the consensus splice site. ClinVar contains an entry for this variant (Variation ID: 1472519). This variant has not been reported in the literature in individuals affected with RYR1-related conditions. This variant is not present in population databases (gnomAD no frequency). This sequence change affects a donor splice site in intron 41 of the RYR1 gene. It is expected to disrupt RNA splicing. Variants that disrupt the donor or acceptor splice site typically lead to a loss of protein function (PMID: 16199547), and loss-of-function variants in RYR1 are known to be pathogenic (PMID: 20583297, 20839240, 23919265, 28818389).

Literature cited by the submitters: PubMed 16199547; PubMed 20583297; PubMed 20839240; PubMed 23919265; PubMed 28818389.

NM_000540.3(RYR1):c.6796+1G>A

Gene: RYR1 (ryanodine receptor 1; plus strand). Cytogenetic location: 19q13.2.
Variant type: single nucleotide variant.
Coding change: c.6796+1G>A on transcript NM_000540.3 (MANE Select); the canonical splice donor site of the intron after coding-DNA position 6796, G replaced by A.
Molecular consequence: splice donor variant.
Genome position (GRCh38, 1-based): chr19:38,496,542, G>A. VCF-style: chr19-38496542-G-A. GRCh37 (hg19) VCF-style: chr19-38987182-G-A.
Other names: c.6796+1G>A (NM_001042723.2).
Identifiers: ClinVar variation 1472519 (VCV001472519.8), dbSNP rs2145586850, ClinGen allele CA405666440.
Genomic context (GRCh38, chr19:38,496,542, plus strand): 5'-ACCAGCGCTCCATGTTTGACCACCTGAGCTACCTGCTGGAGAACAGTGGCATCGGCCTGG[G>A]TGAGAACCCCCGAGCCCAGGGGCTGTCCCCCAGAACCCACTCCTGGCACCCCGTCCAGGC-3'